The following is an entry in ClinVar:

ClinVar aggregate classification (germline): Uncertain significance (1 of 4 stars; one submission).

Conditions:
Inborn genetic diseases. Identifiers: MedGen C0950123, MeSH D030342.

Submission:

Ambry Genetics
Classification: Uncertain significance for Inborn genetic diseases. Last evaluated: 2025-02-07. Review status: criteria provided, single submitter. Criteria: Ambry Variant Classification Scheme 2023. Collection method: clinical testing. Allele origin: germline.
Comment: The p.F1027Y variant (also known as c.3080T>A), located in coding exon 1 of the SAMD9 gene, results from a T to A substitution at nucleotide position 3080. The phenylalanine at codon 1027 is replaced by tyrosine, an amino acid with highly similar properties. This amino acid position is conserved. In addition, this alteration is predicted to be tolerated by in silico analysis. Based on the available evidence, the clinical significance of this variant remains unclear.

NM_017654.4(SAMD9):c.3080T>A (p.Phe1027Tyr)

Gene: SAMD9 (sterile alpha motif domain containing 9; minus strand). Cytogenetic location: 7q21.2.
Variant type: single nucleotide variant.
Coding change: c.3080T>A on transcript NM_017654.4 (MANE Select); coding-DNA position 3080, T replaced by A.
Protein change: p.Phe1027Tyr; replaces phenylalanine 1027 with tyrosine.
Molecular consequence: missense variant.
Genome position (GRCh38, 1-based): chr7:93,103,018, A>T on the plus strand (T>A on the coding strand, the complement: SAMD9 is on the minus strand). VCF-style: chr7-93103018-A-T. GRCh37 (hg19) VCF-style: chr7-92732331-A-T.
Other names: c.3080T>A, p.Phe1027Tyr (NM_001193307.2); short protein forms F1027Y.
Identifiers: ClinVar variation 3792060 (VCV003792060.1).